The following is an entry in ClinVar:

NM_000460.4(THPO):c.396+6T>G

Gene: THPO (thrombopoietin; minus strand). Cytogenetic location: 3q27.1.
Variant type: single nucleotide variant.
Coding change: c.396+6T>G on transcript NM_000460.4 (MANE Select); 6 bases into the intron after coding-DNA position 396, T replaced by G.
Molecular consequence: intron variant.
Genome position (GRCh38, 1-based): chr3:184,373,409, A>C on the plus strand (T>G on the coding strand, the complement: THPO is on the minus strand). VCF-style: chr3-184373409-A-C. GRCh37 (hg19) VCF-style: chr3-184091197-A-C.
Other names: c.396+6T>G (NM_001290028.1, NM_001290026.1, NM_001290022.1 and 5 more transcripts); c.816+6T>G (NM_001290003.1).
Identifiers: ClinVar variation 3608821 (VCV003608821.2).

ClinVar aggregate classification (germline): Uncertain significance (1 of 4 stars; one submission).

gnomAD v4.1: 18 of 1,613,766 alleles (0.0011%); highest among the groups gnomAD compares: Non-Finnish European, 0.0015%; no homozygotes.

Submission:

Labcorp Genetics (formerly Invitae), Labcorp
Classification: Uncertain significance. Last evaluated: 2024-09-11. Review status: criteria provided, single submitter. Criteria: Invitae Variant Classification Sherloc (09022015). Collection method: clinical testing. Allele origin: germline.
Comment: This sequence change falls in intron 5 of the THPO gene. It does not directly change the encoded amino acid sequence of the THPO protein. It affects a nucleotide within the consensus splice site. This variant is present in population databases (rs759160420, gnomAD 0.005%). This variant has not been reported in the literature in individuals affected with THPO-related conditions. Variants that disrupt the consensus splice site are a relatively common cause of aberrant splicing (PMID: 17576681, 9536098). Algorithms developed to predict the effect of sequence changes on RNA splicing suggest that this variant is not likely to affect RNA splicing. In summary, the available evidence is currently insufficient to determine the role of this variant in disease. Therefore, it has been classified as a Variant of Uncertain Significance.

Literature cited by the submitters: PubMed 17576681; PubMed 9536098.